The following is an entry in ClinVar:

ClinVar aggregate classification (germline): Uncertain significance. Review status: criteria provided, single submitter (1 of 4 stars). 2 submissions from 2 submitters: Uncertain significance (1). 1 of the submissions does not count toward it. Last evaluated 2023-02-16.

Conditions:
KMT2D-related disorder. Also called: KMT2D-Related Disorders.
Kabuki syndrome. Also called: Kabuki make-up syndrome; NIIKAWA-KUROKI SYNDROME. Identifiers: Orphanet 2322, MedGen C0796004, MONDO:0016512.

Submissions (2):

Labcorp Genetics (formerly Invitae), Labcorp
Classification: Uncertain significance for Kabuki syndrome. Last evaluated: 2023-02-16. Review status: criteria provided, single submitter. Criteria: Invitae Variant Classification Sherloc (09022015). Collection method: clinical testing. Allele origin: germline.
Comment: This sequence change replaces valine, which is neutral and non-polar, with leucine, which is neutral and non-polar, at codon 1564 of the KMT2D protein (p.Val1564Leu). This variant is not present in population databases (gnomAD no frequency). This variant has not been reported in the literature in individuals affected with KMT2D-related conditions. Advanced modeling of protein sequence and biophysical properties (such as structural, functional, and spatial information, amino acid conservation, physicochemical variation, residue mobility, and thermodynamic stability) performed at Invitae indicates that this missense variant is not expected to disrupt KMT2D protein function. In summary, the available evidence is currently insufficient to determine the role of this variant in disease. Therefore, it has been classified as a Variant of Uncertain Significance.

PreventionGenetics, part of Exact Sciences
Classification: Uncertain significance for KMT2D-related condition. Last evaluated: 2024-08-19. Review status: no assertion criteria provided. Collection method: clinical testing. Allele origin: germline. Not counted in ClinVar's aggregate classification.
Comment: The KMT2D c.4690G>C variant is predicted to result in the amino acid substitution p.Val1564Leu. To our knowledge, this variant has not been reported in the literature or in a large population database, indicating this variant is rare. At this time, the clinical significance of this variant is uncertain due to the absence of conclusive functional and genetic evidence.

NM_003482.4(KMT2D):c.4690G>C (p.Val1564Leu)

Gene: KMT2D (lysine methyltransferase 2D; minus strand). Cytogenetic location: 12q13.12.
Variant type: single nucleotide variant.
Coding change: c.4690G>C on transcript NM_003482.4 (MANE Select); coding-DNA position 4690, G replaced by C.
Protein change: p.Val1564Leu; replaces valine 1564 with leucine.
Molecular consequence: missense variant.
Genome position (GRCh38, 1-based): chr12:49,046,068, C>G on the plus strand (G>C on the coding strand, the complement: KMT2D is on the minus strand). VCF-style: chr12-49046068-C-G. GRCh37 (hg19) VCF-style: chr12-49439851-C-G.
Other names: short protein forms V1564L.
Identifiers: ClinVar variation 2780892 (VCV002780892.4), dbSNP rs1943770118, ClinGen allele CA384644072.